The following is an entry in ClinVar:

NM_001197104.2(KMT2A):c.10375A>G (p.Asn3459Asp)

Gene: KMT2A (lysine methyltransferase 2A; plus strand). Cytogenetic location: 11q23.3.
Variant type: single nucleotide variant.
Coding change: c.10375A>G on transcript NM_001197104.2 (MANE Select); coding-DNA position 10375, A replaced by G.
Protein change: p.Asn3459Asp; replaces asparagine 3459 with aspartic acid.
Molecular consequence: missense variant.
Genome position (GRCh38, 1-based): chr11:118,506,267, A>G. VCF-style: chr11-118506267-A-G. GRCh37 (hg19) VCF-style: chr11-118376982-A-G.
Other names: c.10366A>G, p.Asn3456Asp (NM_005933.4); short protein forms N3456D, N3459D.
Identifiers: ClinVar variation 1268181 (VCV001268181.12), dbSNP rs782596573, ClinGen allele CA6304735.

ClinVar aggregate classification (germline): Benign/Likely benign. Review status: criteria provided, multiple submitters, no conflicts (2 of 4 stars). 3 submissions from 3 submitters: Benign (2); Likely benign (1). Last evaluated 2026-06-01.

Allele frequency attached by ClinVar (database versions not stated): gnomAD 0.00001; TOPMed 0.00003; gnomAD exomes 0.00006 and 0.00013; ExAC 0.00011.
gnomAD v4.1: 36 of 1,614,070 alleles (0.0022%); highest among the groups gnomAD compares: Admixed American, 0.06%; no homozygotes.

Submissions (3):

CeGaT Center for Human Genetics Tuebingen
Classification: Likely benign. Last evaluated: 2026-06-01. Review status: criteria provided, single submitter. Criteria: CeGaT Center For Human Genetics Tuebingen Variant Classification Criteria Version 2. Collection method: clinical testing. Allele origin: germline. Affected: yes. Observed: 1 variant allele.
Comment: KMT2A: BP4, BS1

Labcorp Genetics (formerly Invitae), Labcorp
Classification: Benign. Last evaluated: 2025-05-21. Review status: criteria provided, single submitter. Criteria: Invitae Variant Classification Sherloc (09022015). Collection method: clinical testing. Allele origin: germline.

GeneDx
Classification: Benign. Last evaluated: 2020-04-01. Review status: criteria provided, single submitter. Criteria: GeneDx Variant Classification Process June 2021. Collection method: clinical testing. Allele origin: germline. Affected: yes.